The following is an entry in ClinVar:

NM_002566.5(P2RY11):c.782A>G (p.Tyr261Cys)

Genes: P2RY11 (purinergic receptor P2Y11; plus strand), PPAN-P2RY11 (PPAN-P2RY11 readthrough; plus strand). Cytogenetic location: 19p13.2.
Variant type: single nucleotide variant.
Coding change: c.782A>G on transcript NM_002566.5 (MANE Select); coding-DNA position 782, A replaced by G.
Protein change: p.Tyr261Cys; replaces tyrosine 261 with cysteine.
Molecular consequence: missense variant. On other transcripts: 3 prime UTR variant (1).
Genome position (GRCh38, 1-based): chr19:10,114,395, A>G. VCF-style: chr19-10114395-A-G. GRCh37 (hg19) VCF-style: chr19-10225071-A-G.
Other names: c.2042A>G, p.Tyr681Cys (NM_001040664.3); c.*541A>G (NM_001198690.2); short protein forms Y681C, Y261C.
Identifiers: ClinVar variation 771927 (VCV000771927.7), dbSNP rs75945356, ClinGen allele CA9186565.

ClinVar aggregate classification (germline): Likely benign. Review status: criteria provided, multiple submitters, no conflicts (2 of 4 stars). 3 submissions from 3 submitters: Likely benign (2). 1 of the submissions does not count toward it. Last evaluated 2019-12-31.

Conditions:
PPAN-P2RY11-related disorder. Also called: PPAN-P2RY11-related condition.

Allele frequency attached by ClinVar (database versions not stated): 1000 Genomes Project 0.00140; 1000 Genomes Project 30x 0.00187; ESP Exome Variant Server 0.00238; gnomAD 0.00260 and 0.00261; TOPMed 0.00263.
gnomAD v4.1: 6,299 of 1,609,788 alleles (0.39%); highest among the groups gnomAD compares: Non-Finnish European, 0.49%; 33 homozygotes.

Submissions (3):

Labcorp Genetics (formerly Invitae), Labcorp
Classification: Likely benign. Last evaluated: 2019-12-31. Review status: criteria provided, single submitter. Criteria: Invitae Variant Classification Sherloc (09022015). Collection method: clinical testing. Allele origin: germline.

Breakthrough Genomics
Classification: Likely benign. Review status: criteria provided, single submitter. Criteria: ACMG Guidelines, 2015. Collection method: not provided. Allele origin: germline. Inheritance: Unknown mechanism. Affected: yes.

PreventionGenetics, part of Exact Sciences
Classification: Likely benign for PPAN-P2RY11-related condition. Last evaluated: 2022-02-26. Review status: no assertion criteria provided. Collection method: clinical testing. Allele origin: germline. Not counted in ClinVar's aggregate classification.
Comment: This variant is classified as likely benign based on ACMG/AMP sequence variant interpretation guidelines (Richards et al. 2015 PMID: 25741868, with internal and published modifications).